The following is an entry in ClinVar:

NM_001942.4(DSG1):c.2314G>A (p.Asp772Asn)

Genes: DSG1 (desmoglein 1; plus strand), DSG1-AS1 (DSG1 antisense RNA 1; minus strand), LOC126862720 (MED14-independent group 3 enhancer GRCh37_chr18:28933613-28934812; plus strand). Cytogenetic location: 18q12.1.
Variant type: single nucleotide variant.
Coding change: c.2314G>A on transcript NM_001942.4 (MANE Select); coding-DNA position 2314, G replaced by A.
Protein change: p.Asp772Asn; replaces aspartic acid 772 with asparagine.
Molecular consequence: missense variant.
Genome position (GRCh38, 1-based): chr18:31,354,510, G>A. VCF-style: chr18-31354510-G-A. GRCh37 (hg19) VCF-style: chr18-28934473-G-A.
Other names: short protein forms D772N.
Identifiers: ClinVar variation 787462 (VCV000787462.14), dbSNP rs61730309, ClinGen allele CA8926334.

ClinVar aggregate classification (germline): Benign. Review status: criteria provided, multiple submitters, no conflicts (2 of 4 stars). 3 submissions from 3 submitters: Benign (2). 1 of the submissions does not count toward it. Last evaluated 2026-02-02.

Conditions:
DSG1-related disorder. Also called: DSG1-related condition.

Allele frequency attached by ClinVar (database versions not stated): gnomAD exomes 0.00121 and 0.00319; ExAC 0.00397; gnomAD 0.01268 and 0.01343; ESP Exome Variant Server 0.01276; TOPMed 0.01480; 1000 Genomes Project 0.01817; 1000 Genomes Project 30x 0.01905.
gnomAD v4.1: 3,755 of 1,614,158 alleles (0.23%); highest among the groups gnomAD compares: African/African-American, 4.4%; 72 homozygotes.

Submissions (3):

Labcorp Genetics (formerly Invitae), Labcorp
Classification: Benign. Last evaluated: 2026-02-02. Review status: criteria provided, single submitter. Criteria: Invitae Variant Classification Sherloc (09022015). Collection method: clinical testing. Allele origin: germline.

Breakthrough Genomics
Classification: Benign. Review status: criteria provided, single submitter. Criteria: ACMG Guidelines, 2015. Collection method: not provided. Allele origin: germline. Inheritance: Autosomal recessive inheritance. Affected: yes.

PreventionGenetics, part of Exact Sciences
Classification: Benign for DSG1-related condition. Last evaluated: 2020-02-17. Review status: no assertion criteria provided. Collection method: clinical testing. Allele origin: germline. Not counted in ClinVar's aggregate classification.
Comment: This variant is classified as benign based on ACMG/AMP sequence variant interpretation guidelines (Richards et al. 2015 PMID: 25741868, with internal and published modifications).